The following is an entry in ClinVar:

ClinVar aggregate classification (germline): Uncertain significance (1 of 4 stars; one submission).

Conditions:
Cardiovascular phenotype. Identifiers: MedGen CN230736.

Submission:

Ambry Genetics
Classification: Uncertain significance for Cardiovascular phenotype. Last evaluated: 2019-04-30. Review status: criteria provided, single submitter. Criteria: Ambry Variant Classification Scheme 2023. Collection method: clinical testing. Allele origin: germline.
Comment: The p.I90N variant (also known as c.269T>A), located in coding exon 3 of the ANKRD1 gene, results from a T to A substitution at nucleotide position 269. The isoleucine at codon 90 is replaced by asparagine, an amino acid with dissimilar properties. This amino acid position is highly conserved in available vertebrate species. In addition, this alteration is predicted to be deleterious by in silico analysis. Since supporting evidence is limited at this time, the clinical significance of this alteration remains unclear.

NM_014391.3(ANKRD1):c.269T>A (p.Ile90Asn)

Gene: ANKRD1 (ankyrin repeat domain 1; minus strand). Cytogenetic location: 10q23.31.
Variant type: single nucleotide variant.
Coding change: c.269T>A on transcript NM_014391.3 (MANE Select); coding-DNA position 269, T replaced by A.
Protein change: p.Ile90Asn; replaces isoleucine 90 with asparagine.
Molecular consequence: missense variant.
Genome position (GRCh38, 1-based): chr10:90,919,207, A>T on the plus strand (T>A on the coding strand, the complement: ANKRD1 is on the minus strand). VCF-style: chr10-90919207-A-T. GRCh37 (hg19) VCF-style: chr10-92678964-A-T.
Other names: short protein forms I90N.
Identifiers: ClinVar variation 1794890 (VCV001794890.2), dbSNP rs2492961103, ClinGen allele CA377552811.